The following is an entry in ClinVar:

ClinVar aggregate classification (germline): Uncertain significance. Review status: criteria provided, multiple submitters, no conflicts (2 of 4 stars). 2 submissions from 2 submitters: Uncertain significance (2). Last evaluated 2026-04-25.

Conditions:
KCNQ4-related disorder. Also called: KCNQ4-related condition.

Allele frequency attached by ClinVar (database versions not stated): gnomAD 0.00003; TOPMed 0.00003; gnomAD exomes 0.00004; ESP Exome Variant Server 0.00008; ExAC 0.00010.
gnomAD v4.1: 58 of 1,566,750 alleles (0.0037%); highest among the groups gnomAD compares: East Asian, 0.012%; no homozygotes.

Submissions (2):

PreventionGenetics, part of Exact Sciences
Classification: Uncertain significance for KCNQ4-related condition. Last evaluated: 2026-04-25. Review status: criteria provided, single submitter. Criteria: ACMG Guidelines, 2015. Collection method: clinical testing. Allele origin: germline.
Comment: The KCNQ4 c.1183C>T variant is predicted to result in the amino acid substitution p.Arg395Trp. To our knowledge, this variant has not been reported in the literature. This variant is reported in 0.0083% of alleles in individuals of South Asian descent in gnomAD. At this time, the clinical significance of this variant is uncertain due to the absence of conclusive functional and genetic evidence.

Labcorp Genetics (formerly Invitae), Labcorp
Classification: Uncertain significance. Last evaluated: 2024-07-24. Review status: criteria provided, single submitter. Criteria: Invitae Variant Classification Sherloc (09022015). Collection method: clinical testing. Allele origin: germline.
Comment: This sequence change replaces arginine, which is basic and polar, with tryptophan, which is neutral and slightly polar, at codon 395 of the KCNQ4 protein (p.Arg395Trp). The frequency data for this variant in the population databases is considered unreliable, as metrics indicate poor data quality at this position in the gnomAD database. This missense change has been observed in individual(s) with deafness (PMID: 37009795). An algorithm developed to predict the effect of missense changes on protein structure and function outputs the following: PolyPhen-2: "Benign". The tryptophan amino acid residue is found in multiple mammalian species, which suggests that this missense change does not adversely affect protein function. In summary, the available evidence is currently insufficient to determine the role of this variant in disease. Therefore, it has been classified as a Variant of Uncertain Significance.

Literature cited by the submitters: PubMed 37009795 (cited by Labcorp Genetics (formerly Invitae), Labcorp).

NM_004700.4(KCNQ4):c.1183C>T (p.Arg395Trp)

Gene: KCNQ4 (potassium voltage-gated channel subfamily Q member 4; plus strand). Cytogenetic location: 1p34.2.
Variant type: single nucleotide variant.
Coding change: c.1183C>T on transcript NM_004700.4 (MANE Select); coding-DNA position 1183, C replaced by T.
Protein change: p.Arg395Trp; replaces arginine 395 with tryptophan.
Molecular consequence: missense variant. On other transcripts: intron variant (1).
Genome position (GRCh38, 1-based): chr1:40,824,149, C>T. VCF-style: chr1-40824149-C-T. GRCh37 (hg19) VCF-style: chr1-41289821-C-T.
Other names: c.1183C>T (NM_004700.3); c.1130+1747C>T (NM_172163.3); short protein forms R395W.
Identifiers: ClinVar variation 2919031 (VCV002919031.4), dbSNP rs373405864, ClinGen allele CA794793.